The following is an entry in ClinVar:

ClinVar aggregate classification (germline): Benign/Likely benign. Review status: criteria provided, multiple submitters, no conflicts (2 of 4 stars). 5 submissions from 5 submitters: Benign (1); Likely benign (3). 1 of the submissions does not count toward it. Last evaluated 2026-01-07.

Conditions:
PLS3-related disorder. Also called: PLS3-related condition.

Allele frequency attached by ClinVar (database versions not stated): ESP Exome Variant Server 0.00085.
gnomAD v4.1: 989 of 1,209,616 alleles (0.082%); highest among the groups gnomAD compares: Admixed American, 0.039%; 9 homozygotes.

Submissions (5):

Labcorp Genetics (formerly Invitae), Labcorp
Classification: Benign. Last evaluated: 2026-01-07. Review status: criteria provided, single submitter. Criteria: Invitae Variant Classification Sherloc (09022015). Collection method: clinical testing. Allele origin: germline.

Blueprint Genetics
Classification: Likely benign. Last evaluated: 2024-10-25. Review status: criteria provided, single submitter. Criteria: ACMG Guidelines, 2015. Collection method: clinical testing. Allele origin: germline.

GeneDx
Classification: Likely benign. Last evaluated: 2021-08-09. Review status: criteria provided, single submitter. Criteria: GeneDx Variant Classification Process June 2021. Collection method: clinical testing. Allele origin: germline. Affected: yes.

Breakthrough Genomics
Classification: Likely benign. Review status: criteria provided, single submitter. Criteria: ACMG Guidelines, 2015. Collection method: not provided. Allele origin: germline. Inheritance: X-linked inheritance. Affected: yes.

PreventionGenetics, part of Exact Sciences
Classification: Benign for PLS3-related condition. Last evaluated: 2024-07-09. Review status: no assertion criteria provided. Collection method: clinical testing. Allele origin: germline. Not counted in ClinVar's aggregate classification.
Comment: This variant is classified as benign based on ACMG/AMP sequence variant interpretation guidelines (Richards et al. 2015 PMID: 25741868, with internal and published modifications).

NM_005032.7(PLS3):c.1476C>G (p.Thr492=)

Gene: PLS3 (plastin 3; plus strand). Cytogenetic location: Xq23.
Variant type: single nucleotide variant.
Coding change: c.1476C>G on transcript NM_005032.7 (MANE Select); coding-DNA position 1476, C replaced by G.
Protein change: p.Thr492=; no amino-acid change (threonine 492 retained).
Molecular consequence: synonymous variant.
Genome position (GRCh38, 1-based): chrX:115,646,500, C>G. VCF-style: chrX-115646500-C-G. GRCh37 (hg19) VCF-style: chrX-114880820-C-G.
Other names: c.1476C>G, p.Thr492= (NM_001136025.5); c.1395C>G, p.Thr465= (NM_001172335.3); c.1437C>G, p.Thr479= (NM_001282337.2); c.1341C>G, p.Thr447= (NM_001282338.2).
Identifiers: ClinVar variation 1211996 (VCV001211996.14), dbSNP rs35211005, ClinGen allele CA10497076.